The following is an entry in ClinVar:

NM_000492.4(CFTR):c.2881_2891del (p.Met961fs)

Gene: CFTR (CF transmembrane conductance regulator; plus strand). Cytogenetic location: 7q31.2.
Variant type: Deletion.
Coding change: c.2881_2891del on transcript NM_000492.4 (MANE Select); coding-DNA positions 2881 to 2891, 11 bases deleted (ATGTCAACCCT).
Protein change: p.Met961fs; shifts the reading frame from methionine 961.
Molecular consequence: frameshift variant.
Genome position (GRCh38, 1-based): chr7:117,603,755-117,603,765, ATGTCAACCCT deleted; deleting any 11 consecutive bases within chr7:117,603,752-117,603,765 gives the same sequence; the c. name uses the placement nearest the transcript's 3' end. VCF-style (leftmost placement, unchanged base first): chr7-117603751-ACCTATGTCAAC-A. GRCh37 (hg19) VCF-style: chr7-117243805-ACCTATGTCAAC-A.
Other names: short protein forms M961fs.
Identifiers: ClinVar variation 4818520 (VCV004818520.1).

ClinVar aggregate classification (germline): Likely pathogenic (1 of 4 stars; one submission).

Conditions:
CFTR-related disorder (CFTR-RD). Also called: CFTR-related disorders; CFTR-related condition. Identifiers: MedGen C5924204, MONDO:7770004.

Submission:

Natera, Inc.
Classification: Likely pathogenic for CFTR-related disorders. Last evaluated: 2024-04-12. Review status: criteria provided, single submitter. Criteria: Natera Variant Classification Schema (03/2026). Collection method: clinical testing. Allele origin: germline.
Comment: The c.2881_2891delATGTCAACCCT variant in CFTR is a frameshift variant predicted to shift the reading frame beginning at codon 961 and leads to a stop codon 10 codons downstream. This variant is expected to result in nonsense mediated decay, truncation, or a dysfunctional protein product. This variant is rare in the general population with a frequency below the threshold expected for the associated phenotype(s). Given the available evidence, this variant is classified as Likely Pathogenic.